The following is an entry in ClinVar:

NM_001122681.2(SH3BP2):c.947C>T (p.Ser316Phe)

Gene: SH3BP2 (SH3 domain binding protein 2; plus strand). Cytogenetic location: 4p16.3.
Variant type: single nucleotide variant.
Coding change: c.947C>T on transcript NM_001122681.2 (MANE Select); coding-DNA position 947, C replaced by T.
Protein change: p.Ser316Phe; replaces serine 316 with phenylalanine.
Molecular consequence: missense variant.
Genome position (GRCh38, 1-based): chr4:2,829,853, C>T. VCF-style: chr4-2829853-C-T. GRCh37 (hg19) VCF-style: chr4-2831580-C-T.
Other names: c.1031C>T, p.Ser344Phe (NM_001145855.2); c.1118C>T, p.Ser373Phe (NM_001145856.2); c.947C>T, p.Ser316Phe (NM_003023.4); short protein forms S316F, S373F, S344F.
Identifiers: ClinVar variation 1356077 (VCV001356077.7), dbSNP rs1235042756, ClinGen allele CA356056497.

ClinVar aggregate classification (germline): Uncertain significance. Review status: criteria provided, multiple submitters, no conflicts (2 of 4 stars). 2 submissions from 2 submitters: Uncertain significance (2). Last evaluated 2024-11-28.

Conditions:
Fibrous dysplasia of jaw (CRBM). Also called: Cherubism. Identifiers: Orphanet 184, MedGen C0008029, MONDO:0007315, OMIM 118400.
Inborn genetic diseases. Identifiers: MedGen C0950123, MeSH D030342.

Allele frequency attached by ClinVar (database versions not stated): TOPMed 0.00001; gnomAD exomes 0.00002 and 0.00004.
gnomAD v4.1: 9 of 1,613,714 alleles (0.00056%); highest among the groups gnomAD compares: Admixed American, 0.015%; no homozygotes.

Submissions (2):

Labcorp Genetics (formerly Invitae), Labcorp
Classification: Uncertain significance for Fibrous dysplasia of jaw. Last evaluated: 2024-11-28. Review status: criteria provided, single submitter. Criteria: Invitae Variant Classification Sherloc (09022015). Collection method: clinical testing. Allele origin: germline.
Comment: This sequence change replaces serine, which is neutral and polar, with phenylalanine, which is neutral and non-polar, at codon 316 of the SH3BP2 protein (p.Ser316Phe). This variant is present in population databases (no rsID available, gnomAD 0.03%). This variant has not been reported in the literature in individuals affected with SH3BP2-related conditions. ClinVar contains an entry for this variant (Variation ID: 1356077). Invitae Evidence Modeling of protein sequence and biophysical properties (such as structural, functional, and spatial information, amino acid conservation, physicochemical variation, residue mobility, and thermodynamic stability) indicates that this missense variant is not expected to disrupt SH3BP2 protein function with a negative predictive value of 95%. In summary, the available evidence is currently insufficient to determine the role of this variant in disease. Therefore, it has been classified as a Variant of Uncertain Significance.

Ambry Genetics
Classification: Uncertain significance for Inborn genetic diseases. Last evaluated: 2024-01-23. Review status: criteria provided, single submitter. Criteria: Ambry Variant Classification Scheme 2023. Collection method: clinical testing. Allele origin: germline.